The following is an entry in ClinVar:

ClinVar aggregate classification (germline): Uncertain significance (1 of 4 stars; one submission).

Submission:

Ambry Genetics
Classification: Uncertain significance. Last evaluated: 2024-07-24. Review status: criteria provided, single submitter. Criteria: Ambry Variant Classification Scheme 2023. Collection method: clinical testing. Allele origin: germline.
Comment: The c.4647A>G variant (also known as p.R1549R), located in coding exon 41 of the KIF1B gene, results from an A to G substitution at nucleotide position 4647. This nucleotide substitution does not change the arginine at codon 1549. This nucleotide position is not well conserved in available vertebrate species. In silico splice site analysis for this alteration is inconclusive. The evidence for this gene-disease relationship is limited; therefore, the clinical significance of this alteration is unclear.

NM_001365951.3(KIF1B):c.4785A>G (p.Arg1595=)

Gene: KIF1B (kinesin family member 1B; plus strand). Cytogenetic location: 1p36.22.
Variant type: single nucleotide variant.
Coding change: c.4785A>G on transcript NM_001365951.3 (MANE Select); coding-DNA position 4785, A replaced by G.
Protein change: p.Arg1595=; no amino-acid change (arginine 1595 retained).
Molecular consequence: synonymous variant.
Genome position (GRCh38, 1-based): chr1:10,368,499, A>G. VCF-style: chr1-10368499-A-G. GRCh37 (hg19) VCF-style: chr1-10428557-A-G.
Other names: c.4785A>G, p.Arg1595= (NM_001365952.1); c.4647A>G, p.Arg1549= (NM_015074.3).
Identifiers: ClinVar variation 3533925 (VCV003533925.1).
Genomic context (GRCh38, chr1:10,368,499, plus strand): 5'-AGCTTGCACTTCTCTTTCTCTTCTTTAGTGCCTGCAACTTCTCACCCACACTTTCAACAG[A>G]GAATTCAGCCAGGTGCACGGCAGCGTCAGTGACTGTAAGGTGAGCACATTGACTGTAATT-3'
Protein context (NP_001352880.1, residues 1585-1605): CLQLLTHTFN[Arg1595=]EFSQVHGSVS